The following is an entry in ClinVar:

NM_000548.5(TSC2):c.3397+8T>C

Gene: TSC2 (TSC complex subunit 2; plus strand). Cytogenetic location: 16p13.3.
Variant type: single nucleotide variant.
Coding change: c.3397+8T>C on transcript NM_000548.5 (MANE Select); 8 bases into the intron after coding-DNA position 3397, T replaced by C.
Molecular consequence: intron variant.
Genome position (GRCh38, 1-based): chr16:2,079,677, T>C. VCF-style: chr16-2079677-T-C. GRCh37 (hg19) VCF-style: chr16-2129678-T-C.
Other names: c.3397+8T>C (NM_001114382.3); c.3268+8T>C (NM_021055.3, NM_001370405.1, NM_001363528.2); c.3265+8T>C (NM_001370404.1, NM_001077183.3); c.3157+8T>C (NM_001318827.2); c.2665+8T>C (NM_001318831.2); c.3121+8T>C (NM_001318829.2); c.3298+8T>C (NM_001318832.2).
Identifiers: ClinVar variation 2014253 (VCV002014253.5), dbSNP rs1231016004, ClinGen allele CA2580090983.

ClinVar aggregate classification (germline): Likely benign. Review status: criteria provided, multiple submitters, no conflicts (2 of 4 stars). 2 submissions from 2 submitters: Likely benign (2). Last evaluated 2025-12-21.

Conditions:
Tuberous sclerosis 2 (TSC2). Identifiers: Orphanet 805, MedGen C1860707, MONDO:0013199, OMIM 613254.

Submissions (2):

Labcorp Genetics (formerly Invitae), Labcorp
Classification: Likely benign for Tuberous sclerosis 2. Last evaluated: 2025-12-21. Review status: criteria provided, single submitter. Criteria: Invitae Variant Classification Sherloc (09022015). Collection method: clinical testing. Allele origin: germline.

Myriad Genetics, Inc.
Classification: Likely benign for Tuberous sclerosis 2. Last evaluated: 2025-05-29. Review status: criteria provided, single submitter. Criteria: Myriad Autosomal Dominant, Autosomal Recessive and X-Linked Classification Criteria (2023). Collection method: clinical testing. Allele origin: unknown.
Comment: This variant is considered likely benign. This variant is intronic and is not expected to impact mRNA splicing.